The following is an entry in ClinVar:

NM_006208.3(ENPP1):c.1636-9G>A

Gene: ENPP1 (ectonucleotide pyrophosphatase/phosphodiesterase 1; plus strand). Cytogenetic location: 6q23.2.
Variant type: single nucleotide variant.
Coding change: c.1636-9G>A on transcript NM_006208.3 (MANE Select); 9 bases into the intron before coding-DNA position 1636, G replaced by A.
Molecular consequence: intron variant.
Genome position (GRCh38, 1-based): chr6:131,875,767, G>A. VCF-style: chr6-131875767-G-A. GRCh37 (hg19) VCF-style: chr6-132196907-G-A.
Other names: c.1636-9G>A (NM_006208.2).
Identifiers: ClinVar variation 2012845 (VCV002012845.6), dbSNP rs1342408585, ClinGen allele CA570099845.

ClinVar aggregate classification (germline): Likely benign. Review status: criteria provided, single submitter (1 of 4 stars). 2 submissions from 2 submitters: Likely benign (1). 1 of the submissions does not count toward it. Last evaluated 2025-09-15.

Conditions:
ENPP1-related disorder. Also called: ENPP1-related condition; ENPP1-related disorders.

Allele frequency attached by ClinVar (database versions not stated): gnomAD 0.00003.

Submissions (2):

Labcorp Genetics (formerly Invitae), Labcorp
Classification: Likely benign. Last evaluated: 2025-09-15. Review status: criteria provided, single submitter. Criteria: Invitae Variant Classification Sherloc (09022015). Collection method: clinical testing. Allele origin: germline.

PreventionGenetics, part of Exact Sciences
Classification: Likely benign for ENPP1-related condition. Last evaluated: 2019-03-21. Review status: no assertion criteria provided. Collection method: clinical testing. Allele origin: germline. Not counted in ClinVar's aggregate classification.
Comment: This variant is classified as likely benign based on ACMG/AMP sequence variant interpretation guidelines (Richards et al. 2015 PMID: 25741868, with internal and published modifications).